The following is an entry in ClinVar:

NM_203447.4(DOCK8):c.3970C>T (p.Leu1324Phe)

Gene: DOCK8 (dedicator of cytokinesis 8; plus strand). Cytogenetic location: 9p24.3.
Variant type: single nucleotide variant.
Coding change: c.3970C>T on transcript NM_203447.4 (MANE Select); coding-DNA position 3970, C replaced by T.
Protein change: p.Leu1324Phe; replaces leucine 1324 with phenylalanine.
Molecular consequence: missense variant.
Genome position (GRCh38, 1-based): chr9:420,530, C>T. VCF-style: chr9-420530-C-T. GRCh37 (hg19) VCF-style: chr9-420530-C-T.
Other names: c.3670C>T, p.Leu1224Phe (NM_001190458.2); c.3766C>T, p.Leu1256Phe (NM_001193536.2); short protein forms L1224F, L1256F, L1324F.
Identifiers: ClinVar variation 2088568 (VCV002088568.4), dbSNP rs2538790754, ClinGen allele CA372764016.

ClinVar aggregate classification (germline): Uncertain significance (1 of 4 stars; one submission).

Conditions:
Combined immunodeficiency due to DOCK8 deficiency (HIES2). Also called: HIES autosomal recessive; Hyper-IgE recurrent infection syndrome, autosomal recessive; HYPER-IgE SYNDROME 2, AUTOSOMAL RECESSIVE, WITH RECURRENT INFECTIONS; HYPER-IgE RECURRENT INFECTION SYNDROME 2, AUTOSOMAL RECESSIVE; DOCK8 Deficiency. Identifiers: Orphanet 217390, MedGen C4722305, MONDO:0009478, OMIM 243700.

Submission:

Labcorp Genetics (formerly Invitae), Labcorp
Classification: Uncertain significance for Combined immunodeficiency due to DOCK8 deficiency. Last evaluated: 2022-10-17. Review status: criteria provided, single submitter. Criteria: Invitae Variant Classification Sherloc (09022015). Collection method: clinical testing. Allele origin: germline.
Comment: This variant has not been reported in the literature in individuals affected with DOCK8-related conditions. In summary, the available evidence is currently insufficient to determine the role of this variant in disease. Therefore, it has been classified as a Variant of Uncertain Significance. Advanced modeling of protein sequence and biophysical properties (such as structural, functional, and spatial information, amino acid conservation, physicochemical variation, residue mobility, and thermodynamic stability) has been performed at Invitae for this missense variant, however the output from this modeling did not meet the statistical confidence thresholds required to predict the impact of this variant on DOCK8 protein function. This variant is not present in population databases (gnomAD no frequency). This sequence change replaces leucine, which is neutral and non-polar, with phenylalanine, which is neutral and non-polar, at codon 1324 of the DOCK8 protein (p.Leu1324Phe).